The following is an entry in ClinVar:

ClinVar aggregate classification (germline): Uncertain significance (1 of 4 stars; one submission).

Submission:

Labcorp Genetics (formerly Invitae), Labcorp
Classification: Uncertain significance. Last evaluated: 2025-03-20. Review status: criteria provided, single submitter. Criteria: Invitae Variant Classification Sherloc (09022015). Collection method: clinical testing. Allele origin: germline.
Comment: This sequence change replaces threonine, which is neutral and polar, with methionine, which is neutral and non-polar, at codon 338 of the WNT1 protein (p.Thr338Met). The frequency data for this variant in the population databases is considered unreliable, as metrics indicate poor data quality at this position in the gnomAD database. This missense change has been observed in individual(s) with WNT1-related conditions (PMID: 35252483). ClinVar contains an entry for this variant (Variation ID: 2998087). Invitae Evidence Modeling of protein sequence and biophysical properties (such as structural, functional, and spatial information, amino acid conservation, physicochemical variation, residue mobility, and thermodynamic stability) indicates that this missense variant is not expected to disrupt WNT1 protein function with a negative predictive value of 80%. In summary, the available evidence is currently insufficient to determine the role of this variant in disease. Therefore, it has been classified as a Variant of Uncertain Significance.

Literature cited by the submitters: PubMed 35252483.

NM_005430.4(WNT1):c.1013C>T (p.Thr338Met)

Gene: WNT1 (Wnt family member 1; plus strand). Cytogenetic location: 12q13.12.
Variant type: single nucleotide variant.
Coding change: c.1013C>T on transcript NM_005430.4 (MANE Select); coding-DNA position 1013, C replaced by T.
Protein change: p.Thr338Met; replaces threonine 338 with methionine.
Molecular consequence: missense variant.
Genome position (GRCh38, 1-based): chr12:48,981,540, C>T. VCF-style: chr12-48981540-C-T. GRCh37 (hg19) VCF-style: chr12-49375323-C-T.
Other names: short protein forms T338M.
Identifiers: ClinVar variation 2998087 (VCV002998087.3), dbSNP rs1450479588, ClinGen allele CA384638292.